The following is an entry in ClinVar:

NM_001356.5(DDX3X):c.152-1G>C

Gene: DDX3X (DEAD-box helicase 3 X-linked; plus strand). Cytogenetic location: Xp11.4.
Variant type: single nucleotide variant.
Coding change: c.152-1G>C on transcript NM_001356.5 (MANE Select); the canonical splice acceptor site of the intron before coding-DNA position 152, G replaced by C.
Molecular consequence: splice acceptor variant.
Genome position (GRCh38, 1-based): chrX:41,341,483, G>C. VCF-style: chrX-41341483-G-C. GRCh37 (hg19) VCF-style: chrX-41200736-G-C.
Other names: c.152-1G>C (NM_001193416.3); c.104-1G>C (NM_001193417.3); c.-407-1G>C (NM_001363819.1).
Identifiers: ClinVar variation 430070 (VCV000430070.4), dbSNP rs1131691769, ClinGen allele CA412764628.

ClinVar aggregate classification (germline): Pathogenic (1 of 4 stars; one submission).

Submission:

GeneDx
Classification: Pathogenic. Last evaluated: 2021-10-18. Review status: criteria provided, single submitter. Criteria: GeneDx Variant Classification Process June 2021. Collection method: clinical testing. Allele origin: germline. Affected: yes.
Comment: Canonical splice site variant predicted to result in a null allele in a gene for which loss-of-function is a known mechanism of disease; Not observed in large population cohorts (Lek et al., 2016); Has not been previously published as pathogenic or benign to our knowledge